The following is an entry in ClinVar:

ClinVar aggregate classification (germline): Uncertain significance (1 of 4 stars; one submission).

Submission:

GeneDx
Classification: Uncertain significance. Last evaluated: 2024-04-29. Review status: criteria provided, single submitter. Criteria: GeneDx Variant Classification Process June 2021. Collection method: clinical testing. Allele origin: germline. Affected: yes.
Comment: Not observed at significant frequency in large population cohorts (gnomAD); In silico analysis supports that this missense variant has a deleterious effect on protein structure/function; Has not been previously published as pathogenic or benign to our knowledge

NM_004977.3(KCNC3):c.1285C>T (p.Arg429Trp)

Gene: KCNC3 (potassium voltage-gated channel subfamily C member 3; minus strand). Cytogenetic location: 19q13.33.
Variant type: single nucleotide variant.
Coding change: c.1285C>T on transcript NM_004977.3 (MANE Select); coding-DNA position 1285, C replaced by T.
Protein change: p.Arg429Trp; replaces arginine 429 with tryptophan.
Molecular consequence: missense variant.
Genome position (GRCh38, 1-based): chr19:50,323,668, G>A on the plus strand (C>T on the coding strand, the complement: KCNC3 is on the minus strand). VCF-style: chr19-50323668-G-A. GRCh37 (hg19) VCF-style: chr19-50826925-G-A.
Other names: c.1057C>T, p.Arg353Trp (NM_001372305.1); short protein forms R353W, R429W.
Identifiers: ClinVar variation 3372864 (VCV003372864.1).